The following is an entry in ClinVar:

NM_001378974.1(FBXW11):c.1058T>C (p.Leu353Pro)

Gene: FBXW11 (F-box and WD repeat domain containing 11; minus strand). Cytogenetic location: 5q35.1.
Variant type: single nucleotide variant.
Coding change: c.1058T>C on transcript NM_001378974.1 (MANE Select); coding-DNA position 1058, T replaced by C.
Protein change: p.Leu353Pro; replaces leucine 353 with proline.
Molecular consequence: missense variant.
Genome position (GRCh38, 1-based): chr5:171,876,448, A>G on the plus strand (T>C on the coding strand, the complement: FBXW11 is on the minus strand). VCF-style: chr5-171876448-A-G. GRCh37 (hg19) VCF-style: chr5-171303452-A-G.
Other names: c.989T>C, p.Leu330Pro (NM_001378975.1); c.962T>C, p.Leu321Pro (NM_001378976.1); c.899T>C, p.Leu300Pro (NM_001378977.1, NM_001378978.1, NM_001378979.1); c.893T>C, p.Leu298Pro (NM_001378980.1, NM_033645.3); c.995T>C, p.Leu332Pro (NM_012300.3); c.956T>C, p.Leu319Pro (NM_033644.3); short protein forms L298P, L300P, L319P, L321P, L330P, L332P, L353P.
Identifiers: ClinVar variation 3770121 (VCV003770121.1).
Genomic context (GRCh38, chr5:171,876,448, plus strand): 5'-TCGGTCGCAGAAGCCATGTCCCACACAGCAATGGAGCGGTCCTTGGAACAGGTCACCATC[A>G]GTCCATTGCTGAAGCGTAAGTGCAATACAGCCTCATTGTGGTGGATCAATGTGTTAAGAA-3'
Protein context (NP_001365903.1, residues 343-363): AVLHLRFSNG[Leu353Pro]MVTCSKDRSI

ClinVar aggregate classification (germline): Uncertain significance (1 of 4 stars; one submission).

Submission:

GeneDx
Classification: Uncertain significance. Last evaluated: 2024-09-11. Review status: criteria provided, single submitter. Criteria: GeneDx Variant Classification Process June 2021. Collection method: clinical testing. Allele origin: germline. Affected: yes.
Comment: Not observed at significant frequency in large population cohorts (gnomAD); In silico analysis supports that this missense variant has a deleterious effect on protein structure/function; Has not been previously published as pathogenic or benign to our knowledge